The following is an entry in ClinVar:

ClinVar aggregate classification (germline): Uncertain significance. Review status: criteria provided, multiple submitters, no conflicts (2 of 4 stars). 3 submissions from 3 submitters: Uncertain significance (3). Last evaluated 2026-08-17.

Conditions:
Bardet-Biedl syndrome 12 (BBS12). Identifiers: Orphanet 110, MedGen C1859570, MONDO:0014440, OMIM 615989.
BBS12-related disorder. Also called: BBS12-related condition.
Bardet-Biedl syndrome (BBS). Identifiers: Orphanet 110, MedGen C0752166, MONDO:0015229.

Allele frequency attached by ClinVar (database versions not stated): gnomAD exomes below 0.00001; gnomAD 0.00001; TOPMed 0.00003.
gnomAD v4.1: 3 of 1,613,912 alleles (0.00019%); highest among the groups gnomAD compares: African/African-American, 0.0027%; no homozygotes.

Submissions (3):

PreventionGenetics, part of Exact Sciences
Classification: Uncertain significance for BBS12-related condition. Last evaluated: 2026-08-17. Review status: criteria provided, single submitter. Criteria: ACMG Guidelines, 2015. Collection method: clinical testing. Allele origin: germline.
Comment: The BBS12 c.37C>T variant is predicted to result in the amino acid substitution p.His13Tyr. To our knowledge, this variant has not been reported in the literature or in a large population database, indicating this variant is rare. At this time, the clinical significance of this variant is uncertain due to the absence of conclusive functional and genetic evidence.

Fulgent Genetics
Classification: Uncertain significance for Bardet-Biedl syndrome 12. Last evaluated: 2024-04-25. Review status: criteria provided, single submitter. Criteria: ACMG Guidelines, 2015. Collection method: clinical testing. Allele origin: germline.

Labcorp Genetics (formerly Invitae), Labcorp
Classification: Uncertain significance for Bardet-Biedl syndrome. Last evaluated: 2022-08-15. Review status: criteria provided, single submitter. Criteria: Invitae Variant Classification Sherloc (09022015). Collection method: clinical testing. Allele origin: germline.
Comment: This sequence change replaces histidine, which is basic and polar, with tyrosine, which is neutral and polar, at codon 13 of the BBS12 protein (p.His13Tyr). This variant is not present in population databases (gnomAD no frequency). This variant has not been reported in the literature in individuals affected with BBS12-related conditions. ClinVar contains an entry for this variant (Variation ID: 1441365). Algorithms developed to predict the effect of missense changes on protein structure and function are either unavailable or do not agree on the potential impact of this missense change (SIFT: "Deleterious"; PolyPhen-2: "Probably Damaging"; Align-GVGD: "Class C0"). In summary, the available evidence is currently insufficient to determine the role of this variant in disease. Therefore, it has been classified as a Variant of Uncertain Significance.

NM_152618.3(BBS12):c.37C>T (p.His13Tyr)

Gene: BBS12 (Bardet-Biedl syndrome 12; plus strand). Cytogenetic location: 4q27.
Variant type: single nucleotide variant.
Coding change: c.37C>T on transcript NM_152618.3 (MANE Select); coding-DNA position 37, C replaced by T.
Protein change: p.His13Tyr; replaces histidine 13 with tyrosine.
Molecular consequence: missense variant.
Genome position (GRCh38, 1-based): chr4:122,741,929, C>T. VCF-style: chr4-122741929-C-T. GRCh37 (hg19) VCF-style: chr4-123663084-C-T.
Other names: c.37C>T (NM_152618.2); c.37C>T, p.His13Tyr (NM_001178007.2); short protein forms H13Y.
Identifiers: ClinVar variation 1441365 (VCV001441365.7), dbSNP rs964582500, ClinGen allele CA105249149.